The following is an entry in ClinVar:

NM_016035.5(COQ4):c.283G>A (p.Gly95Ser)

Gene: COQ4 (coenzyme Q4; plus strand). Cytogenetic location: 9q34.11.
Variant type: single nucleotide variant.
Coding change: c.283G>A on transcript NM_016035.5 (MANE Select); coding-DNA position 283, G replaced by A.
Protein change: p.Gly95Ser; replaces glycine 95 with serine.
Molecular consequence: missense variant. On other transcripts: intron variant (1).
Genome position (GRCh38, 1-based): chr9:128,325,223, G>A. VCF-style: chr9-128325223-G-A. GRCh37 (hg19) VCF-style: chr9-131087502-G-A.
Other names: c.203-556G>A (NM_001305942.2); short protein forms G95S.
Identifiers: ClinVar variation 3896827 (VCV003896827.1).

ClinVar aggregate classification (germline): Uncertain significance (1 of 4 stars; one submission).

Conditions:
Neonatal encephalomyopathy-cardiomyopathy-respiratory distress syndrome. Also called: Coenzyme Q10 deficiency, primary, 7. Identifiers: Orphanet 457185, MedGen C5568562, MONDO:0014562, OMIM 616276.

gnomAD v4.1: 2 of 1,613,774 alleles (0.00012%); highest among the groups gnomAD compares: Non-Finnish European, 0.000085%; no homozygotes.

Submission:

Kariminejad - Najmabadi Pathology & Genetics Center
Classification: Uncertain significance for Neonatal encephalomyopathy-cardiomyopathy-respiratory distress syndrome. Last evaluated: 2022-05-28. Review status: criteria provided, single submitter. Criteria: ACMG Guidelines, 2015. Collection method: clinical testing. Allele origin: germline. Inheritance: Autosomal recessive inheritance. Affected: yes.
Comment: PM2,PP3